The following is an entry in ClinVar:

NM_014727.3(KMT2B):c.5676T>C (p.Ser1892=)

Gene: KMT2B (lysine methyltransferase 2B; plus strand). Cytogenetic location: 19q13.12.
Variant type: single nucleotide variant.
Coding change: c.5676T>C on transcript NM_014727.3 (MANE Select); coding-DNA position 5676, T replaced by C.
Protein change: p.Ser1892=; no amino-acid change (serine 1892 retained).
Molecular consequence: synonymous variant.
Genome position (GRCh38, 1-based): chr19:35,732,225, T>C. VCF-style: chr19-35732225-T-C. GRCh37 (hg19) VCF-style: chr19-36223126-T-C.
Identifiers: ClinVar variation 4535388 (VCV004535388.6).

ClinVar aggregate classification (germline): Likely benign (1 of 4 stars; one submission).

gnomAD v4.1: 4 of 1,596,546 alleles (0.00025%); highest among the groups gnomAD compares: Non-Finnish European, 0.00034%; no homozygotes.

Submission:

CeGaT Center for Human Genetics Tuebingen
Classification: Likely benign. Last evaluated: 2025-11-01. Review status: criteria provided, single submitter. Criteria: CeGaT Center For Human Genetics Tuebingen Variant Classification Criteria Version 2. Collection method: clinical testing. Allele origin: germline. Affected: yes. Observed: 1 variant allele.
Comment: KMT2B: BP4, BP7